The following is an entry in ClinVar:

ClinVar aggregate classification (germline): Benign/Likely benign. Review status: criteria provided, multiple submitters, no conflicts (2 of 4 stars). 4 submissions from 4 submitters: Benign (3); Likely benign (1). Last evaluated 2018-01-13.

Conditions:
Hypohidrotic ectodermal dysplasia (HED). Identifiers: Orphanet 238468, MedGen C5848103, MONDO:0016535, HP:0007607.

Allele frequency attached by ClinVar (database versions not stated): ESP Exome Variant Server 0.04813; gnomAD 0.04402 and 0.04124; 1000 Genomes Project 0.04992; TOPMed 0.04673; 1000 Genomes Project 30x 0.05340.

Submissions (4):

Illumina Laboratory Services, Illumina
Classification: Benign for Hypohidrotic ectodermal dysplasia. Last evaluated: 2018-01-13. Review status: criteria provided, single submitter. Criteria: ICSL Variant Classification Criteria 13 December 2019. Collection method: clinical testing. Allele origin: germline.
Comment: This variant was observed in the ICSL laboratory as part of a predisposition screen in an ostensibly healthy population. It had not been previously curated by ICSL or reported in the Human Gene Mutation Database (HGMD: prior to June 1st, 2018), and was therefore a candidate for classification through an automated scoring system. Utilizing variant allele frequency, disease prevalence and penetrance estimates, and inheritance mode, an automated score was calculated to assess if this variant is too frequent to cause the disease. Based on the score and internal cut-off values, a variant classified as benign is not then subjected to further curation. The score for this variant resulted in a classification of benign for this disease.

GeneDx
Classification: Benign. Last evaluated: 2015-03-03. Review status: criteria provided, single submitter. Criteria: GeneDx Variant Classification Process June 2021. Collection method: clinical testing. Allele origin: germline. Affected: yes.

Breakthrough Genomics
Classification: Likely benign. Review status: criteria provided, single submitter. Criteria: ACMG Guidelines, 2015. Collection method: not provided. Allele origin: germline. Inheritance: Autosomal recessive inheritance. Affected: yes.

PreventionGenetics, part of Exact Sciences
Classification: Benign. Review status: criteria provided, single submitter. Criteria: ACMG Guidelines, 2015. Collection method: clinical testing. Allele origin: germline.

NM_145861.4(EDARADD):c.-3G>A

Gene: EDARADD (EDAR associated via death domain; plus strand). Cytogenetic location: 1q42.3.
Variant type: single nucleotide variant.
Coding change: c.-3G>A on transcript NM_145861.4 (MANE Select); 3 bases upstream of the start codon, G replaced by A.
Molecular consequence: 5 prime UTR variant.
Genome position (GRCh38, 1-based): chr1:236,394,442, G>A. VCF-style: chr1-236394442-G-A. GRCh37 (hg19) VCF-style: chr1-236557742-G-A.
Identifiers: ClinVar variation 262598 (VCV000262598.9), dbSNP rs79233817, ClinGen allele CA1469898.
Genomic context (GRCh38, chr1:236,394,442, plus strand): 5'-CGCAATCTGTTGCTTCTTCCATGGCAAACTCCAGAGAATTAAGAAGCCAAACTCAACATC[G>A]CCATGGGCCTCAGGACGACTAAACAGATGGGGAGAGGCACTAAAGCTCCTGGTCACCAAG-3'